The following is an entry in ClinVar:

NM_001348323.3(TRIP12):c.1012C>T (p.Gln338Ter)

Gene: TRIP12 (thyroid hormone receptor interactor 12; minus strand). Cytogenetic location: 2q36.3.
Variant type: single nucleotide variant.
Coding change: c.1012C>T on transcript NM_001348323.3 (MANE Select); coding-DNA position 1012, C replaced by T.
Protein change: p.Gln338Ter; replaces glutamine 338 with a stop codon.
Molecular consequence: nonsense. On other transcripts: intron variant (1).
Genome position (GRCh38, 1-based): chr2:229,858,787, G>A on the plus strand (C>T on the coding strand, the complement: TRIP12 is on the minus strand). VCF-style: chr2-229858787-G-A. GRCh37 (hg19) VCF-style: chr2-230723503-G-A.
Other names: c.1012C>T, p.Gln338Ter (NM_001284214.2, NM_001348315.2, NM_001348319.1 and 13 more transcripts); c.886C>T, p.Gln296Ter (NM_001284215.2, NM_001348316.2, NM_001348317.1 and 3 more transcripts); c.925C>T, p.Gln309Ter (NM_001348332.1, NM_001348334.1); c.98+21195C>T (NM_001284216.2); short protein forms Q296*, Q309*, Q338*.
Identifiers: ClinVar variation 2579158 (VCV002579158.11), dbSNP rs2475891095, ClinGen allele CA350893467.
Genomic context (GRCh38, chr2:229,858,787, plus strand): 5'-AGAAACTTTCTTTAATTAAAGAAAAATACCTTTTTGTAAACTTACTTGCTAATTTGGCCT[G>A]TAATCCAGAAGGTCCAGGTTTTGATGTCTCTGACTTAGAAGACCCTGGAAGAGACAGTTT-3'

ClinVar aggregate classification (germline): Pathogenic. Review status: criteria provided, multiple submitters, no conflicts (2 of 4 stars). 2 submissions from 2 submitters: Pathogenic (2). Last evaluated 2025-05-01.

Conditions:
Clark-Baraitser syndrome. Also called: MENTAL RETARDATION, AUTOSOMAL DOMINANT 49; BARAITSER SYNDROME; Mental retardation, tall stature, obesity, macrocephaly and typical facial features; Intellectual disability, autosomal dominant 49. Identifiers: Orphanet 600731, MedGen C2931130, MONDO:0030914, OMIM 617752.

Submissions (2):

CeGaT Center for Human Genetics Tuebingen
Classification: Pathogenic. Last evaluated: 2025-05-01. Review status: criteria provided, single submitter. Criteria: CeGaT Center For Human Genetics Tuebingen Variant Classification Criteria Version 2. Collection method: clinical testing. Allele origin: germline. Affected: yes. Observed: 1 variant allele.
Comment: TRIP12: PVS1, PM2

MVZ Martinsried, Medicover Genetics
Classification: Pathogenic for Clark-Baraitser syndrome. Last evaluated: 2023-07-18. Review status: criteria provided, single submitter. Criteria: ACGS Guidelines, 2020. Collection method: clinical testing. Allele origin: de novo. Affected: yes.